The following is an entry in ClinVar:

ClinVar aggregate classification (germline): Uncertain significance (1 of 4 stars; one submission).

gnomAD v4.1: 2 of 1,612,826 alleles (0.00012%); highest among the groups gnomAD compares: Non-Finnish European, 0.00017%; no homozygotes.

Submission:

Labcorp Genetics (formerly Invitae), Labcorp
Classification: Uncertain significance. Last evaluated: 2024-02-22. Review status: criteria provided, single submitter. Criteria: Invitae Variant Classification Sherloc (09022015). Collection method: clinical testing. Allele origin: germline.
Comment: This sequence change replaces isoleucine, which is neutral and non-polar, with threonine, which is neutral and polar, at codon 847 of the PACS2 protein (p.Ile847Thr). This variant is not present in population databases (gnomAD no frequency). This variant has not been reported in the literature in individuals affected with PACS2-related conditions. Advanced modeling of protein sequence and biophysical properties (such as structural, functional, and spatial information, amino acid conservation, physicochemical variation, residue mobility, and thermodynamic stability) has been performed at Invitae for this missense variant, however the output from this modeling did not meet the statistical confidence thresholds required to predict the impact of this variant on PACS2 protein function. In summary, the available evidence is currently insufficient to determine the role of this variant in disease. Therefore, it has been classified as a Variant of Uncertain Significance.

NM_001100913.3(PACS2):c.2540T>C (p.Ile847Thr)

Gene: PACS2 (phosphofurin acidic cluster sorting protein 2; plus strand). Cytogenetic location: 14q32.33.
Variant type: single nucleotide variant.
Coding change: c.2540T>C on transcript NM_001100913.3 (MANE Select); coding-DNA position 2540, T replaced by C.
Protein change: p.Ile847Thr; replaces isoleucine 847 with threonine.
Molecular consequence: missense variant.
Genome position (GRCh38, 1-based): chr14:105,393,279, T>C. VCF-style: chr14-105393279-T-C. GRCh37 (hg19) VCF-style: chr14-105859616-T-C.
Other names: c.2270T>C, p.Ile757Thr (NM_001243127.3); c.2495T>C, p.Ile832Thr (NM_015197.4); short protein forms I757T, I832T, I847T.
Identifiers: ClinVar variation 3608647 (VCV003608647.2).